The following is an entry in ClinVar:

NM_020778.5(ALPK3):c.2366C>G (p.Thr789Ser)

Gene: ALPK3 (alpha kinase 3; plus strand). Cytogenetic location: 15q25.3.
Variant type: single nucleotide variant.
Coding change: c.2366C>G on transcript NM_020778.5 (MANE Select); coding-DNA position 2366, C replaced by G.
Protein change: p.Thr789Ser; replaces threonine 789 with serine.
Molecular consequence: missense variant.
Genome position (GRCh38, 1-based): chr15:84,857,104, C>G. VCF-style: chr15-84857104-C-G. GRCh37 (hg19) VCF-style: chr15-85400335-C-G.
Other names: p.Thr991Ser; short protein forms T789S.
Identifiers: ClinVar variation 1798298 (VCV001798298.6), dbSNP rs768742956, ClinGen allele CA7709396.
Genomic context (GRCh38, chr15:84,857,104, plus strand): 5'-CTGGTTGCCTGCCCAGATCTGAGGAGGCAGTAGTAACAGCCTCCAGGAACCATGAGCAAA[C>G]TGTGCTGGGTCCCCTGTCAGGGAACCTCATGCTCCCAGCACAGCCGCCCCATGAGGGGAG-3'
Protein context (NP_065829.4, residues 779-799): VVTASRNHEQ[Thr789Ser]VLGPLSGNLM

ClinVar aggregate classification (germline): Uncertain significance. Review status: criteria provided, multiple submitters, no conflicts (2 of 4 stars). 3 submissions from 3 submitters: Uncertain significance (3). Last evaluated 2025-10-27.

Conditions:
Cardiovascular phenotype. Identifiers: MedGen CN230736.

Allele frequency attached by ClinVar (database versions not stated): TOPMed 0.00001; ExAC 0.00003; gnomAD 0.00001; gnomAD exomes 0.00004.
gnomAD v4.1: 25 of 1,614,086 alleles (0.0015%); highest among the groups gnomAD compares: East Asian, 0.056%; no homozygotes.

Submissions (3):

Labcorp Genetics (formerly Invitae), Labcorp
Classification: Uncertain significance. Last evaluated: 2025-10-27. Review status: criteria provided, single submitter. Criteria: Invitae Variant Classification Sherloc (09022015). Collection method: clinical testing. Allele origin: germline.
Comment: This sequence change replaces threonine, which is neutral and polar, with serine, which is neutral and polar, at codon 991 of the ALPK3 protein (p.Thr991Ser). This variant is present in population databases (rs768742956, gnomAD 0.06%). This variant has not been reported in the literature in individuals affected with ALPK3-related conditions. ClinVar contains an entry for this variant (Variation ID: 1798298). Invitae Evidence Modeling of protein sequence and biophysical properties (such as structural, functional, and spatial information, amino acid conservation, physicochemical variation, residue mobility, and thermodynamic stability) indicates that this missense variant is not expected to disrupt ALPK3 protein function with a negative predictive value of 80%. In summary, the available evidence is currently insufficient to determine the role of this variant in disease. Therefore, it has been classified as a Variant of Uncertain Significance.

Ambry Genetics
Classification: Uncertain significance for Cardiovascular phenotype. Last evaluated: 2024-04-29. Review status: criteria provided, single submitter. Criteria: Ambry Variant Classification Scheme 2023. Collection method: clinical testing. Allele origin: germline.
Comment: The p.T991S variant (also known as c.2972C>G), located in coding exon 6 of the ALPK3 gene, results from a C to G substitution at nucleotide position 2972. The threonine at codon 991 is replaced by serine, an amino acid with similar properties. This amino acid position is conserved. In addition, this alteration is predicted to be tolerated by in silico analysis. Since supporting evidence is limited at this time, the clinical significance of this alteration remains unclear.

Mayo Clinic Laboratories, Mayo Clinic
Classification: Uncertain significance. Last evaluated: 2023-02-22. Review status: criteria provided, single submitter. Criteria: ACMG Guidelines, 2015. Collection method: clinical testing. Allele origin: germline. Observed: 1 variant allele.
Comment: BP4_strong